The following is an entry in ClinVar:

ClinVar aggregate classification (germline): Uncertain significance. Review status: criteria provided, multiple submitters, no conflicts (2 of 4 stars). 2 submissions from 2 submitters: Uncertain significance (2). Last evaluated 2026-07-18.

Conditions:
Cardiovascular phenotype. Identifiers: MedGen CN230736.
Hereditary cancer-predisposing syndrome. Also called: Tumor predisposition; Hereditary Cancer Syndrome; Hereditary neoplastic syndrome; Neoplastic Syndromes, Hereditary. Identifiers: Orphanet 140162, MedGen C0027672, MeSH D009386, MONDO:0015356.
Neurofibromatosis, type 1 (NF1). Also called: VON RECKLINGHAUSEN DISEASE; Peripheral type neurofibromatosis; Neurofibromatosis, type I; NEUROFIBROMATOSIS, TYPE I, SOMATIC. Identifiers: Orphanet 636, MedGen C0027831, MONDO:0018975, OMIM 162200. Disease mechanism: loss of function.

Allele frequency attached by ClinVar (database versions not stated): gnomAD exomes below 0.00001.

Submissions (2):

Ambry Genetics
Classification: Uncertain significance for Cardiovascular phenotype; Hereditary cancer-predisposing syndrome. Last evaluated: 2026-07-18. Review status: criteria provided, single submitter. Criteria: Ambry Variant Classification Scheme 2023. Collection method: clinical testing. Allele origin: germline.
Comment: The p.M1022V variant (also known as c.3064A>G), located in coding exon 23 of the NF1 gene, results from an A to G substitution at nucleotide position 3064. The methionine at codon 1022 is replaced by valine, an amino acid with highly similar properties. This amino acid position is conserved. In addition, the in silico prediction for this alteration is inconclusive. Based on the available evidence, the clinical significance of this variant remains unclear.

Labcorp Genetics (formerly Invitae), Labcorp
Classification: Uncertain significance for Neurofibromatosis, type 1. Last evaluated: 2022-09-27. Review status: criteria provided, single submitter. Criteria: Invitae Variant Classification Sherloc (09022015). Collection method: clinical testing. Allele origin: germline.
Comment: This sequence change replaces methionine, which is neutral and non-polar, with valine, which is neutral and non-polar, at codon 1022 of the NF1 protein (p.Met1022Val). This variant is not present in population databases (gnomAD no frequency). This variant has not been reported in the literature in individuals affected with NF1-related conditions. ClinVar contains an entry for this variant (Variation ID: 1001163). Advanced modeling of protein sequence and biophysical properties (such as structural, functional, and spatial information, amino acid conservation, physicochemical variation, residue mobility, and thermodynamic stability) has been performed at Invitae for this missense variant, however the output from this modeling did not meet the statistical confidence thresholds required to predict the impact of this variant on NF1 protein function. In summary, the available evidence is currently insufficient to determine the role of this variant in disease. Therefore, it has been classified as a Variant of Uncertain Significance.

NM_001042492.3(NF1):c.3064A>G (p.Met1022Val)

Gene: NF1 (neurofibromin 1; plus strand). Cytogenetic location: 17q11.2.
Variant type: single nucleotide variant.
Coding change: c.3064A>G on transcript NM_001042492.3 (MANE Select); coding-DNA position 3064, A replaced by G.
Protein change: p.Met1022Val; replaces methionine 1022 with valine.
Molecular consequence: missense variant.
Genome position (GRCh38, 1-based): chr17:31,230,333, A>G. VCF-style: chr17-31230333-A-G. GRCh37 (hg19) VCF-style: chr17-29557351-A-G.
Other names: c.3064A>G, p.Met1022Val (NM_000267.4); short protein forms M1022V.
Identifiers: ClinVar variation 1001163 (VCV001001163.6), dbSNP rs2067092180, ClinGen allele CA398987433.